The following is an entry in ClinVar:

NM_000352.6(ABCC8):c.2041-12C>T

Gene: ABCC8 (ATP binding cassette subfamily C member 8; minus strand). Cytogenetic location: 11p15.1.
Variant type: single nucleotide variant.
Coding change: c.2041-12C>T on transcript NM_000352.6 (MANE Select); 12 bases into the intron before coding-DNA position 2041, C replaced by T.
Molecular consequence: intron variant.
Genome position (GRCh38, 1-based): chr11:17,427,954, G>A on the plus strand (C>T on the coding strand, the complement: ABCC8 is on the minus strand). VCF-style: chr11-17427954-G-A. GRCh37 (hg19) VCF-style: chr11-17449501-G-A.
Other names: c.2041-12C>T (NM_000352.4, NM_001287174.3); c.2038-12C>T (NM_001351297.2, NM_001351296.2); c.2107-12C>T (NM_001351295.2).
Identifiers: ClinVar variation 303778 (VCV000303778.22), dbSNP rs201419039, ClinGen allele CA5903321.

ClinVar aggregate classification (germline): Conflicting classifications of pathogenicity. Review status: criteria provided, conflicting classifications (1 of 4 stars). 11 submissions from 9 submitters: Uncertain significance (4); Benign (1); Likely benign (4). 2 of the submissions do not count toward it. Last evaluated 2026-02-01.

Conditions:
Diabetes mellitus, transient neonatal, 2 (TNDM2). Identifiers: Orphanet 99886, MedGen C1835887, MONDO:0012480, OMIM 610374. Disease mechanism: loss of function.
Permanent neonatal diabetes mellitus (PNDM). Identifiers: Orphanet 99885, MedGen C1833104, MONDO:0100164, MONDO:0011643. Disease mechanism: gain of function.
Hereditary hyperinsulinism.
ABCC8-related disorder.
Hyperinsulinemic hypoglycemia, familial, 1 (HHF1). Also called: HYPERINSULINISM, FAMILIAL, WITH PANCREATIC NESIDIOBLASTOSIS; HYPOGLYCEMIA, HYPERINSULINEMIC, OF INFANCY; Persistent hyperinsulinemic hypoglycemia of infancy; NESIDIOBLASTOSIS OF PANCREAS; Persistent Hyperinsulinemia Hypoglycemia of Infancy. Identifiers: Orphanet 276575, Orphanet 276598, MedGen C2931832, MONDO:0009734, OMIM 256450.

Allele frequency attached by ClinVar (database versions not stated): 1000 Genomes Project 30x 0.00031; 1000 Genomes Project 0.00040; ExAC 0.00056; TOPMed 0.00072; ESP Exome Variant Server 0.00100.
gnomAD v4.1: 2,041 of 1,612,692 alleles (0.13%); highest among the groups gnomAD compares: Non-Finnish European, 0.16%; no homozygotes.

Submissions (11):

Labcorp Genetics (formerly Invitae), Labcorp
Classification: Likely benign. Last evaluated: 2026-02-01. Review status: criteria provided, single submitter. Criteria: Invitae Variant Classification Sherloc (09022015). Collection method: clinical testing. Allele origin: germline.

Blueprint Genetics
Classification: Likely benign. Last evaluated: 2024-09-03. Review status: criteria provided, single submitter. Criteria: ACMG Guidelines, 2015. Collection method: clinical testing. Allele origin: germline.

ARUP Laboratories, Molecular Genetics and Genomics, ARUP Laboratories
Classification: Likely benign. Last evaluated: 2023-11-22. Review status: criteria provided, single submitter. Criteria: ARUP Molecular Germline Variant Investigation Process 2024. Collection method: clinical testing. Allele origin: germline.

Women's Health and Genetics/Laboratory Corporation of America, LabCorp
Classification: Likely benign. Last evaluated: 2023-01-10. Review status: criteria provided, single submitter. Criteria: LabCorp Variant Classification Summary - May 2015. Collection method: clinical testing. Allele origin: germline.
Comment: Variant summary: ABCC8 c.2041-12C>T alters a non-conserved nucleotide located close to a canonical splice site and therefore could affect mRNA splicing, leading to a significantly altered protein sequence. 4/4 computational tools predict no significant impact on normal splicing. A minigene assay has reported no impact of splicing (Saint-Martin_2021). The variant allele was found at a frequency of 0.0005 in 247584 control chromosomes. Although one study reported the presence of this variant on the paternal allele of an individual reportedly affected with Congenital Hyperinsulinism (CHI) and classified this variant as likely benign based on the minigene splicing result, to our knowledge, no conclusive occurrence of c.2041-12C>T in individuals affected with Congenital Hyperinsulinism and no experimental evidence demonstrating its impact on protein function have been reported. Six clinical diagnostic laboratories have submitted clinical-significance assessments for this variant to ClinVar after 2014 without evidence for independent evaluation. Multiple laboratories reported the variant with conflicting assessments (B/LB, n=2; VUS, n=4). Based on the evidence outlined above, the variant was classified as likely benign.

GeneDx
Classification: Uncertain significance. Last evaluated: 2019-09-20. Review status: criteria provided, single submitter. Criteria: GeneDx Variant Classification Process June 2021. Collection method: clinical testing. Allele origin: germline. Affected: yes.
Comment: In-silico analysis, which includes splice predictors and evolutionary conservation, is inconclusive as to whether the variant alters gene splicing. In the absence of RNA/functional studies, the actual effect of this sequence change is unknown.; Has not been previously published as pathogenic or benign to our knowledge

Illumina Laboratory Services, Illumina
Classification: Benign for Diabetes mellitus, transient neonatal, 2. Last evaluated: 2018-01-12. Review status: criteria provided, single submitter. Criteria: ICSL Variant Classification Criteria 13 December 2019. Collection method: clinical testing. Allele origin: germline.
Comment: This variant was observed in the ICSL laboratory as part of a predisposition screen in an ostensibly healthy population. It had not been previously curated by ICSL or reported in the Human Gene Mutation Database (HGMD: prior to June 1st, 2018), and was therefore a candidate for classification through an automated scoring system. Utilizing variant allele frequency, disease prevalence and penetrance estimates, and inheritance mode, an automated score was calculated to assess if this variant is too frequent to cause the disease. Based on the score and internal cut-off values, a variant classified as benign is not then subjected to further curation. The score for this variant resulted in a classification of benign for this disease.

Illumina Laboratory Services, Illumina
Classification: Uncertain significance for Hyperinsulinemic hypoglycemia, familial, 1. Last evaluated: 2018-01-12. Review status: criteria provided, single submitter. Criteria: ICSL Variant Classification Criteria 13 December 2019. Collection method: clinical testing. Allele origin: germline.

Illumina Laboratory Services, Illumina
Classification: Uncertain significance for Permanent neonatal diabetes mellitus 1. Last evaluated: 2018-01-12. Review status: criteria provided, single submitter. Criteria: ICSL Variant Classification Criteria 13 December 2019. Collection method: clinical testing. Allele origin: germline.

Athena Diagnostics
Classification: Uncertain significance. Last evaluated: 2016-08-30. Review status: criteria provided, single submitter. Criteria: Athena Diagnostics Criteria. Collection method: clinical testing. Allele origin: germline.

Natera, Inc.
Classification: Uncertain significance for Hereditary hyperinsulinism. Last evaluated: 2020-09-16. Review status: no assertion criteria provided. Collection method: clinical testing. Allele origin: germline. Not counted in ClinVar's aggregate classification.

PreventionGenetics, part of Exact Sciences
Classification: Likely benign for ABCC8-related condition. Last evaluated: 2019-08-26. Review status: no assertion criteria provided. Collection method: clinical testing. Allele origin: germline. Not counted in ClinVar's aggregate classification.
Comment: This variant is classified as likely benign based on ACMG/AMP sequence variant interpretation guidelines (Richards et al. 2015 PMID: 25741868, with internal and published modifications).

Literature cited by the submitters: PubMed 33410562 (cited by Women's Health and Genetics/Laboratory Corporation of America, LabCorp).